The following is an entry in ClinVar:

ClinVar aggregate classification (germline): Uncertain significance (1 of 4 stars; one submission).

Allele frequency attached by ClinVar (database versions not stated): gnomAD exomes below 0.00001; gnomAD 0.00002.
gnomAD v4.1: 3 of 1,557,038 alleles (0.00019%); highest among the groups gnomAD compares: African/African-American, 0.0044%; no homozygotes.

Submission:

GeneDx
Classification: Uncertain significance. Last evaluated: 2022-03-14. Review status: criteria provided, single submitter. Criteria: GeneDx Variant Classification Process June 2021. Collection method: clinical testing. Allele origin: germline. Affected: yes.
Comment: Not observed at significant frequency in large population cohorts (gnomAD); In silico analysis supports that this missense variant does not alter protein structure/function; Has not been previously published as pathogenic or benign to our knowledge

NM_001372066.1(TFAP2A):c.232G>A (p.Val78Ile)

Gene: TFAP2A (transcription factor AP-2 alpha; minus strand). Cytogenetic location: 6p24.3.
Variant type: single nucleotide variant.
Coding change: c.232G>A on transcript NM_001372066.1 (MANE Select); coding-DNA position 232, G replaced by A.
Protein change: p.Val78Ile; replaces valine 78 with isoleucine.
Molecular consequence: missense variant.
Genome position (GRCh38, 1-based): chr6:10,410,155, C>T on the plus strand (G>A on the coding strand, the complement: TFAP2A is on the minus strand). VCF-style: chr6-10410155-C-T. GRCh37 (hg19) VCF-style: chr6-10410388-C-T.
Other names: NM_003220.2:c.226G>A; c.208G>A, p.Val70Ile (NM_001032280.3); c.214G>A, p.Val72Ile (NM_001042425.3); short protein forms V70I, V72I, V78I.
Identifiers: ClinVar variation 1706168 (VCV001706168.2), dbSNP rs1193218173, ClinGen allele CA362704847.
Genomic context (GRCh38, chr6:10,410,155, plus strand): 5'-AGCCTGGGTGCTGCGGCTGCGGCTGGGCGTGCAGGGGGTTCAGGCTGTAGGGGTCGTTGA[C>T]GTGGGAGTAAGGATCTTGCGACTGGGGGTAGATAGGCTGGTAGGGTGGGGGGAAGTATGG-3'
Protein context (NP_001358995.1, residues 68-88): YPQSQDPYSH[Val78Ile]NDPYSLNPLH